The following is an entry in ClinVar:

NM_000535.7(PMS2):c.2338C>T (p.Pro780Ser)

Gene: PMS2 (PMS1 homolog 2, mismatch repair system component; minus strand). Cytogenetic location: 7p22.1.
Variant type: single nucleotide variant.
Coding change: c.2338C>T on transcript NM_000535.7 (MANE Select); coding-DNA position 2338, C replaced by T.
Protein change: p.Pro780Ser; replaces proline 780 with serine.
Molecular consequence: missense variant. On other transcripts: non-coding transcript variant (1).
Genome position (GRCh38, 1-based): chr7:5,977,695, G>A on the plus strand (C>T on the coding strand, the complement: PMS2 is on the minus strand). VCF-style: chr7-5977695-G-A. GRCh37 (hg19) VCF-style: chr7-6017326-G-A.
Other names: c.1933C>T, p.Pro645Ser (NM_001322003.2, NM_001322004.2, NM_001322005.2); c.2182C>T, p.Pro728Ser (NM_001322006.2); c.2020C>T, p.Pro674Ser (NM_001322007.2, NM_001322008.2); c.1966C>T, p.Pro656Ser (NM_001322009.2); c.1777C>T, p.Pro593Ser (NM_001322010.2); c.1405C>T, p.Pro469Ser (NM_001322011.2, NM_001322012.2); c.1765C>T, p.Pro589Ser (NM_001322013.2); c.2371C>T, p.Pro791Ser (NM_001322014.2); and 2 more; short protein forms P589S, P645S, P780S, P593S, P469S, P674S, P677S, P728S.
Identifiers: ClinVar variation 969478 (VCV000969478.9), dbSNP rs1064796041, ClinGen allele CA366735932.

ClinVar aggregate classification (germline): Uncertain significance. Review status: criteria provided, multiple submitters, no conflicts (2 of 4 stars). 5 submissions from 5 submitters: Uncertain significance (5). Last evaluated 2026-03-16.

Conditions:
Hereditary nonpolyposis colorectal neoplasms. Identifiers: MedGen C0009405, MeSH D003123.
Hereditary cancer-predisposing syndrome. Also called: Neoplastic Syndromes, Hereditary; Hereditary neoplastic syndrome; Tumor predisposition; Hereditary Cancer Syndrome. Identifiers: Orphanet 140162, MedGen C0027672, MeSH D009386, MONDO:0015356.
Lynch syndrome. Identifiers: Orphanet 144, MedGen C4552100, MONDO:0005835. Disease mechanism: loss of function.

Submissions (5):

Hema, HEMA – Genetic and Molecular Diagnostic Laboratory
Classification: Uncertain significance for Lynch syndrome. Last evaluated: 2026-03-16. Review status: criteria provided, single submitter. Criteria: HEMA Variant Classification Assertion Criteria. Collection method: clinical testing. Allele origin: germline.
Comment: The c.2338C>T p.(Pro780Ser) variant is a transition from guanine to adenine located in the coding region, resulting in the substitution of proline 780 with serine. PM2_Supporting: Absent in the gnomAD v4.1.0 database. BP4: Prior probability of pathogenicity score MAPP/PP2 = 0.0623 < 0.11, indicating that the variant would not have an effect on the PMS2 protein.

Color Diagnostics, LLC DBA Color Health
Classification: Uncertain significance for Hereditary cancer-predisposing syndrome. Last evaluated: 2025-02-11. Review status: criteria provided, single submitter. Criteria: ACMG Guidelines, 2015. Collection method: clinical testing. Allele origin: germline.
Comment: This missense variant replaces proline with serine at codon 780 of the PMS2 protein. Computational prediction suggests that this variant may not impact protein structure and function. To our knowledge, functional studies have not been reported for this variant. This variant has been reported in an individual affected with an unspecified cancer (PMID: 31391288). This variant has not been identified in the general population by the Genome Aggregation Database (gnomAD). The available evidence is insufficient to determine the role of this variant in disease conclusively. Therefore, this variant is classified as a Variant of Uncertain Significance.

Labcorp Genetics (formerly Invitae), Labcorp
Classification: Uncertain significance for Hereditary nonpolyposis colorectal neoplasms. Last evaluated: 2024-10-08. Review status: criteria provided, single submitter. Criteria: Invitae Variant Classification Sherloc (09022015). Collection method: clinical testing. Allele origin: germline.
Comment: This sequence change replaces proline, which is neutral and non-polar, with serine, which is neutral and polar, at codon 780 of the PMS2 protein (p.Pro780Ser). The frequency data for this variant in the population databases (gnomAD) is considered unreliable due to the presence of homologous sequence, such as pseudogenes or paralogs, in the genome. This variant has not been reported in the literature in individuals affected with PMS2-related conditions. ClinVar contains an entry for this variant (Variation ID: 969478). Invitae Evidence Modeling incorporating data from in vitro experimental studies (internal data) indicates that this missense variant is not expected to disrupt PMS2 function with a negative predictive value of 95%. In summary, the available evidence is currently insufficient to determine the role of this variant in disease. Therefore, it has been classified as a Variant of Uncertain Significance.

Quest Diagnostics Nichols Institute San Juan Capistrano
Classification: Uncertain significance. Last evaluated: 2024-07-04. Review status: criteria provided, single submitter. Criteria: Quest Diagnostics criteria. Collection method: clinical testing. Allele origin: unknown.
Comment: The PMS2 c.2338C>T (p.Pro780Ser) variant has been reported in the published literature in an individual with cancer with microsatellite instability (MSI) (PMID: 31391288 (2020)). This variant has not been reported in large, multi-ethnic general populations (Genome Aggregation Database). Analysis of this variant using bioinformatics tools for the prediction of the effect of amino acid changes on protein structure and function yielded predictions that this variant is benign. Based on the available information, we are unable to determine the clinical significance of this variant.

Ambry Genetics
Classification: Uncertain significance for Hereditary cancer-predisposing syndrome. Last evaluated: 2024-05-08. Review status: criteria provided, single submitter. Criteria: Ambry Variant Classification Scheme 2023. Collection method: clinical testing. Allele origin: germline.
Comment: The p.P780S variant (also known as c.2338C>T), located in coding exon 14 of the PMS2 gene, results from a C to T substitution at nucleotide position 2338. The proline at codon 780 is replaced by serine, an amino acid with similar properties. This amino acid position is well conserved in available vertebrate species. In addition, the in silico prediction for this alteration is inconclusive. Based on the available evidence, the clinical significance of this variant remains unclear.

Literature cited by the submitters: PubMed 31391288 (cited by Color Diagnostics, LLC DBA Color Health and Quest Diagnostics Nichols Institute San Juan Capistrano).